The following is an entry in ClinVar:

ClinVar aggregate classification (germline): Benign (1 of 4 stars; one submission).

Allele frequency attached by ClinVar (database versions not stated): 1000 Genomes Project 0.01258; 1000 Genomes Project 30x 0.01359; TOPMed 0.01582.
gnomAD v4.1: 3,180 of 739,596 alleles (0.43%); highest among the groups gnomAD compares: African/African-American, 4.9%; 74 homozygotes.

Submission:

GeneDx
Classification: Benign. Last evaluated: 2018-06-14. Review status: criteria provided, single submitter. Criteria: GeneDx Variant Classification (06012015). Collection method: clinical testing. Allele origin: germline. Affected: yes.
Comment: This variant is considered likely benign or benign based on one or more of the following criteria: it is a conservative change, it occurs at a poorly conserved position in the protein, it is predicted to be benign by multiple in silico algorithms, and/or has population frequency not consistent with disease.

NM_003119.4(SPG7):c.1449+174C>T

Gene: SPG7 (SPG7 matrix AAA peptidase subunit, paraplegin; plus strand). Cytogenetic location: 16q24.3.
Variant type: single nucleotide variant.
Coding change: c.1449+174C>T on transcript NM_003119.4 (MANE Select); 174 bases into the intron after coding-DNA position 1449, C replaced by T.
Molecular consequence: intron variant.
Genome position (GRCh38, 1-based): chr16:89,544,946, C>T. VCF-style: chr16-89544946-C-T. GRCh37 (hg19) VCF-style: chr16-89611354-C-T.
Other names: c.1449+174C>T (NM_001363850.1).
Identifiers: ClinVar variation 680022 (VCV000680022.1), dbSNP rs78718968, ClinGen allele CA286560399.
Genomic context (GRCh38, chr16:89,544,946, plus strand): 5'-CAGGTGCTGGCAGTGTCCAGCGTGGCCCCCGCATCGGCTGCACGCCCCCAGCAGACCTGC[C>T]CACCGGCTGCACTCACTGCTGTGGCCCCCACATTGGCTGCACGCCCCCTGGCAGACCTGC-3'